The following is an entry in ClinVar:

NM_018975.4(TERF2IP):c.519G>T (p.Thr173=)

Gene: TERF2IP (TERF2 interacting protein; plus strand). Cytogenetic location: 16q23.1.
Variant type: single nucleotide variant.
Coding change: c.519G>T on transcript NM_018975.4 (MANE Select); coding-DNA position 519, G replaced by T.
Protein change: p.Thr173=; no amino-acid change (threonine 173 retained).
Molecular consequence: synonymous variant. On other transcripts: non-coding transcript variant (1).
Genome position (GRCh38, 1-based): chr16:75,648,401, G>T. VCF-style: chr16-75648401-G-T. GRCh37 (hg19) VCF-style: chr16-75682299-G-T.
Identifiers: ClinVar variation 1745993 (VCV001745993.11), dbSNP rs767635459, ClinGen allele CA8178008.
Genomic context (GRCh38, chr16:75,648,401, plus strand): 5'-CTCGCCCAGCTCCGTCACCGGTAACGCCTTGTGGAAAGCGATGGAGAAGAGCTCGCTCAC[G>T]CAGCACTCGTGGCAGTCCCTGAAGGACCGCTACCTCAAGCACCTGCGGGGCCAGGAGCAT-3'
Protein context (NP_061848.2, residues 163-183): LWKAMEKSSL[Thr173=]QHSWQSLKDR

ClinVar aggregate classification (germline): Likely benign. Review status: criteria provided, multiple submitters, no conflicts (2 of 4 stars). 4 submissions from 4 submitters: Likely benign (4). Last evaluated 2026-07-01.

Allele frequency attached by ClinVar (database versions not stated): ExAC 0.00006.
gnomAD v4.1: 149 of 1,607,472 alleles (0.0093%); highest among the groups gnomAD compares: Non-Finnish European, 0.012%; no homozygotes.

Submissions (4):

CeGaT Center for Human Genetics Tuebingen
Classification: Likely benign. Last evaluated: 2026-07-01. Review status: criteria provided, single submitter. Criteria: CeGaT Center For Human Genetics Tuebingen Variant Classification Criteria Version 2. Collection method: clinical testing. Allele origin: germline. Affected: yes. Observed: 1 variant allele.
Comment: TERF2IP: BP4, BP7

Labcorp Genetics (formerly Invitae), Labcorp
Classification: Likely benign. Last evaluated: 2025-12-19. Review status: criteria provided, single submitter. Criteria: Invitae Variant Classification Sherloc (09022015). Collection method: clinical testing. Allele origin: germline.

Blueprint Genetics
Classification: Likely benign. Last evaluated: 2024-08-09. Review status: criteria provided, single submitter. Criteria: ACMG Guidelines, 2015. Collection method: clinical testing. Allele origin: germline.

Ambry Genetics
Classification: Likely benign. Last evaluated: 2022-02-26. Review status: criteria provided, single submitter. Criteria: Ambry Variant Classification Scheme 2023. Collection method: clinical testing. Allele origin: germline.